The following is an entry in ClinVar:

NM_001142800.2(EYS):c.8008del (p.Ser2670fs)

Gene: EYS (EGF-like photoreceptor maintenance factor; minus strand). Cytogenetic location: 6q12.
Variant type: Deletion.
Coding change: c.8008del on transcript NM_001142800.2 (MANE Select); coding-DNA position 8008, one base deleted (T; older notation c.8008delT).
Protein change: p.Ser2670fs; shifts the reading frame from serine 2670.
Molecular consequence: frameshift variant.
Genome position (GRCh38, 1-based): chr6:63,762,524, A deleted on the plus strand (T on the coding strand, the reverse complement: EYS is on the minus strand); the first of 3 consecutive A bases (chr6:63,762,524-63,762,526); deleting any one gives the same sequence. VCF-style (leftmost placement, unchanged base first): chr6-63762523-GA-G. GRCh37 (hg19) VCF-style: chr6-64472416-GA-G.
Other names: c.8008del, p.Ser2670fs (NM_001292009.2); short protein forms S2670fs.
Identifiers: ClinVar variation 2711329 (VCV002711329.3), dbSNP rs1769669798, ClinGen allele CA1633404376.

ClinVar aggregate classification (germline): Pathogenic (1 of 4 stars; one submission).

Submission:

Labcorp Genetics (formerly Invitae), Labcorp
Classification: Pathogenic. Last evaluated: 2024-01-25. Review status: criteria provided, single submitter. Criteria: Invitae Variant Classification Sherloc (09022015). Collection method: clinical testing. Allele origin: germline.
Comment: This sequence change creates a premature translational stop signal (p.Ser2670Hisfs*12) in the EYS gene. It is expected to result in an absent or disrupted protein product. Loss-of-function variants in EYS are known to be pathogenic (PMID: 18836446, 20333770). This variant is not present in population databases (gnomAD no frequency). This variant has not been reported in the literature in individuals affected with EYS-related conditions. For these reasons, this variant has been classified as Pathogenic.

Literature cited by the submitters: PubMed 18836446; PubMed 20333770.